The following is an entry in ClinVar:

ClinVar aggregate classification (germline): Uncertain significance. Review status: criteria provided, multiple submitters, no conflicts (2 of 4 stars). 2 submissions from 2 submitters: Uncertain significance (2). Last evaluated 2024-10-23.

Conditions:
Amelocerebrohypohidrotic syndrome (KTZS). Also called: Kohlschutter's syndrome; KOHLSCHUTTER SYNDROME; EPILEPSY AND YELLOW TEETH; EPILEPSY, DEMENTIA, AND AMELOGENESIS IMPERFECTA. Identifiers: Orphanet 1946, MedGen C0406740, MONDO:0009185, OMIM 226750.
Inborn genetic diseases. Identifiers: MedGen C0950123, MeSH D030342.

Allele frequency attached by ClinVar (database versions not stated): ExAC below 0.00001; gnomAD 0.00001; TOPMed 0.00001; ESP Exome Variant Server 0.00008.
gnomAD v4.1: 32 of 1,533,498 alleles (0.0021%); highest among the groups gnomAD compares: Non-Finnish European, 0.0026%; no homozygotes.

Submissions (2):

Labcorp Genetics (formerly Invitae), Labcorp
Classification: Uncertain significance for Amelocerebrohypohidrotic syndrome. Last evaluated: 2024-10-23. Review status: criteria provided, single submitter. Criteria: Invitae Variant Classification Sherloc (09022015). Collection method: clinical testing. Allele origin: germline.
Comment: This sequence change replaces alanine, which is neutral and non-polar, with threonine, which is neutral and polar, at codon 29 of the ROGDI protein (p.Ala29Thr). The frequency data for this variant in the population databases is considered unreliable, as metrics indicate poor data quality at this position in the gnomAD database. This variant has not been reported in the literature in individuals affected with ROGDI-related conditions. ClinVar contains an entry for this variant (Variation ID: 858798). An algorithm developed to predict the effect of missense changes on protein structure and function (PolyPhen-2) suggests that this variant¬†is likely to be tolerated. In summary, the available evidence is currently insufficient to determine the role of this variant in disease. Therefore, it has been classified as a Variant of Uncertain Significance.

Ambry Genetics
Classification: Uncertain significance for Inborn genetic diseases. Last evaluated: 2021-03-19. Review status: criteria provided, single submitter. Criteria: Ambry Variant Classification Scheme 2023. Collection method: clinical testing. Allele origin: germline.
Comment: The c.85G>A (p.A29T) alteration is located in exon 2 (coding exon 2) of the ROGDI gene. This alteration results from a G to A substitution at nucleotide position 85, causing the alanine (A) at amino acid position 29 to be replaced by a threonine (T). The p.A29T alteration is predicted to be tolerated by in silico analysis. Based on insufficient or conflicting evidence, the clinical significance of this alteration remains unclear.

NM_024589.3(ROGDI):c.85G>A (p.Ala29Thr)

Gene: ROGDI (rogdi atypical leucine zipper; minus strand). Cytogenetic location: 16p13.3.
Variant type: single nucleotide variant.
Coding change: c.85G>A on transcript NM_024589.3 (MANE Select); coding-DNA position 85, G replaced by A.
Protein change: p.Ala29Thr; replaces alanine 29 with threonine.
Molecular consequence: missense variant. On other transcripts: non-coding transcript variant (1).
Genome position (GRCh38, 1-based): chr16:4,802,414, C>T on the plus strand (G>A on the coding strand, the complement: ROGDI is on the minus strand). VCF-style: chr16-4802414-C-T. GRCh37 (hg19) VCF-style: chr16-4852415-C-T.
Other names: c.85G>A (NM_024589.1); short protein forms A29T.
Identifiers: ClinVar variation 858798 (VCV000858798.8), dbSNP rs376839753, ClinGen allele CA7883030.